The following is an entry in ClinVar:

NM_198721.4(COL25A1):c.117C>T (p.Ala39=)

Gene: COL25A1 (collagen type XXV alpha 1 chain; minus strand). Cytogenetic location: 4q25.
Variant type: single nucleotide variant.
Coding change: c.117C>T on transcript NM_198721.4 (MANE Select); coding-DNA position 117, C replaced by T.
Protein change: p.Ala39=; no amino-acid change (alanine 39 retained).
Molecular consequence: synonymous variant. On other transcripts: non-coding transcript variant (1).
Genome position (GRCh38, 1-based): chr4:109,301,903, G>A on the plus strand (C>T on the coding strand, the complement: COL25A1 is on the minus strand). VCF-style: chr4-109301903-G-A. GRCh37 (hg19) VCF-style: chr4-110223059-G-A.
Other names: c.117C>T, p.Ala39= (NM_001256074.3, NM_032518.4).
Identifiers: ClinVar variation 2655022 (VCV002655022.24), dbSNP rs1417322310, ClinGen allele CA440734202.

ClinVar aggregate classification (germline): Likely benign (1 of 4 stars; one submission).

Allele frequency attached by ClinVar (database versions not stated): gnomAD exomes below 0.00001.
gnomAD v4.1: 2 of 1,614,178 alleles (0.00012%); highest among the groups gnomAD compares: East Asian, 0.0045%; no homozygotes.

Submission:

CeGaT Center for Human Genetics Tuebingen
Classification: Likely benign. Last evaluated: 2022-07-01. Review status: criteria provided, single submitter. Criteria: CeGaT Center For Human Genetics Tuebingen Variant Classification Criteria Version 2. Collection method: clinical testing. Allele origin: germline. Affected: yes. Observed: 1 variant allele.
Comment: COL25A1: BP4, BP7